The following is an entry in ClinVar:

NM_000398.7(CYB5R3):c.218T>C (p.Leu73Pro)

Gene: CYB5R3 (cytochrome b5 reductase 3; minus strand). Cytogenetic location: 22q13.2.
Variant type: single nucleotide variant.
Coding change: c.218T>C on transcript NM_000398.7 (MANE Select); coding-DNA position 218, T replaced by C.
Protein change: p.Leu73Pro; replaces leucine 73 with proline.
Molecular consequence: missense variant.
Genome position (GRCh38, 1-based): chr22:42,631,386, A>G on the plus strand (T>C on the coding strand, the complement: CYB5R3 is on the minus strand). VCF-style: chr22-42631386-A-G. GRCh37 (hg19) VCF-style: chr22-43027392-A-G.
Other names: c.149T>C, p.Leu50Pro (NM_001129819.2, NM_001171661.1, NM_007326.4); c.317T>C, p.Leu106Pro (NM_001171660.2); c.218T>C (NM_000398.6); short protein forms L73P, L106P, L50P.
Identifiers: ClinVar variation 246 (VCV000000246.2), dbSNP rs121965013, ClinGen allele CA114083.

ClinVar aggregate classification (germline): Uncertain significance. Review status: criteria provided, single submitter (1 of 4 stars). 2 submissions from 2 submitters: Uncertain significance (1). 1 of the submissions does not count toward it. Last evaluated 2025-07-10.

Conditions:
Inborn genetic diseases. Identifiers: MedGen C0950123, MeSH D030342.
METHEMOGLOBINEMIA, TYPE I. Identifiers: MedGen C2749559, OMIM 250800.

Allele frequency attached by ClinVar (database versions not stated): TOPMed 0.00001; gnomAD exomes 0.00002 and below 0.00001.
gnomAD v4.1: 4 of 1,551,480 alleles (0.00026%); highest among the groups gnomAD compares: East Asian, 0.0098%; no homozygotes.

Submissions (2):

Ambry Genetics
Classification: Uncertain significance for Inborn genetic diseases. Last evaluated: 2025-07-10. Review status: criteria provided, single submitter. Criteria: Ambry Variant Classification Scheme 2023. Collection method: clinical testing. Allele origin: germline.
Comment: The c.218T>C (p.L73P) alteration is located in exon 3 (coding exon 3) of the CYB5R3 gene. This alteration results from a T to C substitution at nucleotide position 218, causing the leucine (L) at amino acid position 73 to be replaced by a proline (P). Based on data from gnomAD, the C allele has an overall frequency of 0.002% (3/156222) total alleles studied. The highest observed frequency was 0.027% (3/11306) of East Asian alleles. This variant has been identified in the homozygous state and/or in conjunction with other CYB5R3 variant(s) in individual(s) with features consistent with methemoglobinemia type I (Wu, 1998). This amino acid position is highly conserved in available vertebrate species. This alteration is predicted to be deleterious by in silico analysis. Based on insufficient or conflicting evidence, the clinical significance of this alteration remains unclear.

OMIM
Classification: Pathogenic for METHEMOGLOBINEMIA, TYPE I. Last evaluated: 2008-05-01. Review status: no assertion criteria provided. Collection method: literature only. Allele origin: germline. Not counted in ClinVar's aggregate classification.

Literature cited by the submitters: PubMed 9695975 (cited by Ambry Genetics and OMIM); PubMed 18318771 (cited by OMIM).